The following is an entry in ClinVar:

NM_001754.5(RUNX1):c.743A>C (p.Asn248Thr)

Gene: RUNX1 (RUNX family transcription factor 1; minus strand). Cytogenetic location: 21q22.12.
Variant type: single nucleotide variant.
Coding change: c.743A>C on transcript NM_001754.5 (MANE Select); coding-DNA position 743, A replaced by C.
Protein change: p.Asn248Thr; replaces asparagine 248 with threonine.
Molecular consequence: missense variant.
Genome position (GRCh38, 1-based): chr21:34,834,472, T>G on the plus strand (A>C on the coding strand, the complement: RUNX1 is on the minus strand). VCF-style: chr21-34834472-T-G. GRCh37 (hg19) VCF-style: chr21-36206769-T-G.
Other names: NM_001754.5(RUNX1):c.743A>C; p.Asn248Thr; c.662A>C, p.Asn221Thr (NM_001001890.3, NM_001122607.2); short protein forms N248T, N221T.
Identifiers: ClinVar variation 532670 (VCV000532670.11), dbSNP rs747748983, ClinGen allele CA10014364.

ClinVar aggregate classification (germline): Uncertain significance. Review status: reviewed by expert panel (3 of 4 stars). 6 submissions from 6 submitters: Uncertain significance (1). 5 of the submissions do not count toward it. Last evaluated 2024-07-25.

Conditions:
Hereditary thrombocytopenia and hematologic cancer predisposition syndrome. Identifiers: Orphanet 71290, MedGen CN281654, MONDO:0011071.
Hereditary thrombocytopenia and hematological cancer predisposition syndrome associated with RUNX1. Also called: Familial Platelet Disorder with Propensity to Acute Myelogenous Leukemia; PLATELET DISORDER, ASPIRIN-LIKE; RUNX1 Familial Platelet Disorder with Associated Myeloid Malignancies; Familial thrombocytopenia with propensity to acute myelogenous leukemia. Identifiers: Orphanet 71290, MedGen C1832388, MeSH C563324, MONDO:0100083, OMIM 601399.
RUNX1-related disorder. Also called: RUNX1-related condition.
Inborn genetic diseases. Identifiers: MedGen C0950123, MeSH D030342.

Allele frequency attached by ClinVar (database versions not stated): ExAC 0.00002; gnomAD exomes below 0.00001 and 0.00001; TOPMed below 0.00001; gnomAD 0.00001.
gnomAD v4.1: 7 of 1,612,072 alleles (0.00043%); highest among the groups gnomAD compares: Middle Eastern, 0.017%; no homozygotes.

Submissions (6):

ClinGen Myeloid Malignancy Variant Curation Expert Panel
Classification: Uncertain significance for Hereditary thrombocytopenia and hematologic cancer predisposition syndrome. Last evaluated: 2024-07-25. Review status: reviewed by expert panel. Criteria: ClinGen MyeloMalig ACMG Specifications v2. Collection method: curation. Allele origin: germline. Inheritance: Autosomal dominant inheritance.
Comment: NM_001754.5(RUNX1):c.743A>C (p.Asn248Thr) is a missense variant. This variant is present in two alleles in the South Asian population at a MAF of 0.0065% in gnomAD v2.1.1. This variant has been reported in one proband meeting at least one of the RUNX1-phenotypic criteria (Thrombocytopenia) (PS4_supporting). This missense variant has a REVEL score <0.50 (0.213) (BP4). In summary, this variant meets the criteria to be classified as a variant of uncertain significance. ACMG/AMP criteria applied, as specified by the Myeloid Malignancy Variant Curation Expert Panel for RUNX1: BP4, PS4_supporting.

Ambry Genetics
Classification: Uncertain significance for Inborn genetic diseases. Last evaluated: 2025-03-04. Review status: criteria provided, single submitter. Criteria: Ambry Variant Classification Scheme 2023. Collection method: clinical testing. Allele origin: germline. Not counted in ClinVar's aggregate classification.
Comment: The p.N248T variant (also known as c.743A>C), located in coding exon 6 of the RUNX1 gene, results from an A to C substitution at nucleotide position 743. The asparagine at codon 248 is replaced by threonine, an amino acid with similar properties. This amino acid position is highly conserved in available vertebrate species. In addition, the in silico prediction for this alteration is inconclusive. Based on the available evidence, the clinical significance of this variant remains unclear.

Labcorp Genetics (formerly Invitae), Labcorp
Classification: Uncertain significance for Hereditary thrombocytopenia and hematological cancer predisposition syndrome associated with RUNX1. Last evaluated: 2024-10-26. Review status: criteria provided, single submitter. Criteria: Invitae Variant Classification Sherloc (09022015). Collection method: clinical testing. Allele origin: germline. Not counted in ClinVar's aggregate classification.
Comment: This sequence change replaces asparagine, which is neutral and polar, with threonine, which is neutral and polar, at codon 248 of the RUNX1 protein (p.Asn248Thr). This variant is present in population databases (rs747748983, gnomAD 0.003%). This variant has not been reported in the literature in individuals affected with RUNX1-related conditions. ClinVar contains an entry for this variant (Variation ID: 532670). An algorithm developed to predict the effect of missense changes on protein structure and function outputs the following: PolyPhen-2: "Possibly Damaging". The threonine amino acid residue is found in multiple mammalian species, which suggests that this missense change does not adversely affect protein function. In summary, the available evidence is currently insufficient to determine the role of this variant in disease. Therefore, it has been classified as a Variant of Uncertain Significance.

Revvity Omics, Revvity
Classification: Uncertain significance. Last evaluated: 2023-08-23. Review status: criteria provided, single submitter. Criteria: ACMG Guidelines, 2015. Collection method: clinical testing. Allele origin: germline. Not counted in ClinVar's aggregate classification.

Blueprint Genetics
Classification: Uncertain significance. Last evaluated: 2022-08-19. Review status: criteria provided, single submitter. Criteria: ACMG Guidelines, 2015. Collection method: clinical testing. Allele origin: germline. Not counted in ClinVar's aggregate classification.

PreventionGenetics, part of Exact Sciences
Classification: Uncertain significance for RUNX1-related condition. Last evaluated: 2024-06-13. Review status: no assertion criteria provided. Collection method: clinical testing. Allele origin: germline. Not counted in ClinVar's aggregate classification.
Comment: The RUNX1 c.743A>C variant is predicted to result in the amino acid substitution p.Asn248Thr. This variant has been reported in the literature in one individual with thrombocytopenia, intellectual disability and dysmorphic features (Liu et al. 2023. PubMed ID: 36819173). This variant is reported in 0.0065% of alleles in individuals of South Asian descent in gnomAD. This variant has been classified as a variant of uncertain significance by one laboratory in Clinvar. At this time, the clinical significance of this variant is uncertain due to the absence of conclusive functional and genetic evidence.